The following is an entry in ClinVar:

NM_206933.4(USH2A):c.12202G>A (p.Gly4068Arg)

Gene: USH2A (usherin; minus strand). Cytogenetic location: 1q41.
Variant type: single nucleotide variant.
Coding change: c.12202G>A on transcript NM_206933.4 (MANE Select); coding-DNA position 12202, G replaced by A.
Protein change: p.Gly4068Arg; replaces glycine 4068 with arginine.
Molecular consequence: missense variant.
Genome position (GRCh38, 1-based): chr1:215,680,241, C>T on the plus strand (G>A on the coding strand, the complement: USH2A is on the minus strand). VCF-style: chr1-215680241-C-T. GRCh37 (hg19) VCF-style: chr1-215853583-C-T.
Other names: short protein forms G4068R.
Identifiers: ClinVar variation 1359907 (VCV001359907.8), dbSNP rs1430838005, ClinGen allele CA344816102.

ClinVar aggregate classification (germline): Uncertain significance (1 of 4 stars; one submission).

Allele frequency attached by ClinVar (database versions not stated): TOPMed below 0.00001; gnomAD 0.00001.
gnomAD v4.1: 2 of 1,614,006 alleles (0.00012%); highest among the groups gnomAD compares: Non-Finnish European, 0.00017%; no homozygotes.

Submission:

Labcorp Genetics (formerly Invitae), Labcorp
Classification: Uncertain significance. Last evaluated: 2022-01-20. Review status: criteria provided, single submitter. Criteria: Invitae Variant Classification Sherloc (09022015). Collection method: clinical testing. Allele origin: germline.
Comment: This sequence change replaces glycine, which is neutral and non-polar, with arginine, which is basic and polar, at codon 4068 of the USH2A protein (p.Gly4068Arg). This variant is not present in population databases (gnomAD no frequency). This variant has not been reported in the literature in individuals affected with USH2A-related conditions. Algorithms developed to predict the effect of missense changes on protein structure and function output the following: SIFT: "Deleterious"; PolyPhen-2: "Benign"; Align-GVGD: "Class C65". The arginine amino acid residue is found in multiple mammalian species, which suggests that this missense change does not adversely affect protein function. Algorithms developed to predict the effect of sequence changes on RNA splicing suggest that this variant may create or strengthen a splice site. In summary, the available evidence is currently insufficient to determine the role of this variant in disease. Therefore, it has been classified as a Variant of Uncertain Significance.